The following is an entry in ClinVar:

NM_004563.4(PCK2):c.1574A>C (p.Gln525Pro)

Genes: NRL (neural retina leucine zipper; minus strand), PCK2 (phosphoenolpyruvate carboxykinase 2, mitochondrial; plus strand). Cytogenetic location: 14q12.
Variant type: single nucleotide variant.
Coding change: c.1574A>C on transcript NM_004563.4 (MANE Select); coding-DNA position 1574, A replaced by C.
Protein change: p.Gln525Pro; replaces glutamine 525 with proline.
Molecular consequence: missense variant. On other transcripts: intron variant (3).
Genome position (GRCh38, 1-based): chr14:24,103,615, A>C. VCF-style: chr14-24103615-A-C. GRCh37 (hg19) VCF-style: chr14-24572824-A-C.
Other names: c.1172A>C, p.Gln391Pro (NM_001291556.2, NM_001308054.2); c.-28+11107T>G (NM_001354768.3, NM_001354770.2); c.-254+11107T>G (NM_006177.5); short protein forms Q391P, Q525P.
Identifiers: ClinVar variation 4998261 (VCV004998261.1).

ClinVar aggregate classification (germline): Uncertain significance (1 of 4 stars; one submission).

Conditions:
PCK2-related disorder. Also called: PCK2-related condition.

gnomAD v4.1: 6 of 1,613,474 alleles (0.00037%); highest among the groups gnomAD compares: Middle Eastern, 0.033%; no homozygotes.

Submission:

PreventionGenetics, part of Exact Sciences
Classification: Uncertain significance for PCK2-related condition. Last evaluated: 2026-07-21. Review status: criteria provided, single submitter. Criteria: ACMG Guidelines, 2015. Collection method: clinical testing. Allele origin: germline.
Comment: The PCK2 c.1574A>C variant is predicted to result in the amino acid substitution p.Gln525Pro. To our knowledge, this variant has not been reported in the literature or in a large population database (gnomAD), indicating this variant is rare. At this time, the clinical significance of this variant is uncertain due to the absence of conclusive functional and genetic evidence.